The following is an entry in ClinVar:

ClinVar aggregate classification (germline): Conflicting classifications of pathogenicity. Review status: criteria provided, conflicting classifications (1 of 4 stars). 5 submissions from 5 submitters: Uncertain significance (2); Benign (1); Likely benign (2). Last evaluated 2026-08-17.

Conditions:
Cardiovascular phenotype. Identifiers: MedGen CN230736.
Catecholaminergic polymorphic ventricular tachycardia 2. Also called: CASQ2-Related Catecholaminergic Polymorphic Ventricular Tachycardia; VENTRICULAR TACHYCARDIA, STRESS-INDUCED POLYMORPHIC 2. Identifiers: Orphanet 3286, MedGen C2677794, MONDO:0012762, OMIM 611938.
Catecholaminergic polymorphic ventricular tachycardia 1. Also called: VENTRICULAR TACHYCARDIA, CATECHOLAMINERGIC POLYMORPHIC, 1, WITH OR WITHOUT ATRIAL DYSFUNCTION AND/OR DILATED CARDIOMYOPATHY; RYR2-Related Catecholaminergic Polymorphic Ventricular Tachycardia; VENTRICULAR TACHYCARDIA, STRESS-INDUCED POLYMORPHIC 1. Identifiers: Orphanet 3286, MedGen C1631597, MONDO:0011484, OMIM 604772.

Submissions (5):

GeneDx
Classification: Uncertain significance. Last evaluated: 2026-08-17. Review status: criteria provided, single submitter. Criteria: GeneDx Variant Classification Process June 2021. Collection method: clinical testing. Allele origin: germline.
Comment: Has not been previously published as pathogenic or benign to our knowledge; In silico analysis supports a deleterious effect on protein structure/function

Labcorp Genetics (formerly Invitae), Labcorp
Classification: Benign for Catecholaminergic polymorphic ventricular tachycardia 1. Last evaluated: 2026-02-02. Review status: criteria provided, single submitter. Criteria: Invitae Variant Classification Sherloc (09022015). Collection method: clinical testing. Allele origin: germline.

Women's Health and Genetics/Laboratory Corporation of America, LabCorp
Classification: Uncertain significance. Last evaluated: 2025-09-16. Review status: criteria provided, single submitter. Criteria: LabCorp Variant Classification Summary - May 2015. Collection method: clinical testing. Allele origin: germline.
Comment: Variant summary: CASQ2 c.730_731delinsTG (p.His244Cys) is part of a multinucleotide combination of 1-116269619-T-C (c.731A>G, p.His244Arg) and 1-116269620-G-A (c.730C>T, p.His244Tyr) that results in a non-conservative amino acid change in the encoded protein sequence. Algorithms developed to predict the effect of missense changes on protein structure and function all suggest that this variant is likely to be disruptive. Based on the frequency of the less prevalent component variant, the variant allele was found at a frequency not to exceed 0.00023 in 281688 control chromosomes. This frequency is not significantly higher than estimated for disease-causing variants in CASQ2, allowing no conclusion about variant significance. To our knowledge, no occurrence of c.730_731delinsTG in individuals affected with CASQ2-related conditions and no experimental evidence demonstrating its impact on protein function have been reported. ClinVar contains an entry for this variant (Variation ID: 238671). Based on the evidence outlined above, the variant was classified as uncertain significance.

Genome-Nilou Lab
Classification: Likely benign for Catecholaminergic polymorphic ventricular tachycardia 2. Last evaluated: 2023-04-11. Review status: criteria provided, single submitter. Criteria: ACMG Guidelines, 2015. Collection method: clinical testing. Allele origin: germline. Affected: no.

Ambry Genetics
Classification: Likely benign for Cardiovascular phenotype. Last evaluated: 2018-11-15. Review status: criteria provided, single submitter. Criteria: Ambry Variant Classification Scheme 2023. Collection method: clinical testing. Allele origin: germline.

NM_001232.4(CASQ2):c.730_731inv (p.His244Cys)

Gene: CASQ2 (calsequestrin 2; minus strand). Cytogenetic location: 1p13.1.
Variant type: Inversion.
Coding change: c.730_731inv on transcript NM_001232.4 (MANE Select).
Protein change: p.His244Cys; replaces histidine 244 with cysteine.
Molecular consequence: missense variant.
Genome position: GRCh38 VCF-style: chr1-115726998-TG-CA. GRCh37 (hg19) VCF-style: chr1-116269619-TG-CA.
Other names: c.730_731delinsTG (NM_001232.3, NM_001232.4); c.730_731invCA (NM_001232.3); short protein forms H244C.
Identifiers: ClinVar variation 238671 (VCV000238671.19), ClinGen allele CA10581722.